The following is an entry in ClinVar:

ClinVar aggregate classification (germline): Uncertain significance (1 of 4 stars; one submission).

Submission:

Labcorp Genetics (formerly Invitae), Labcorp
Classification: Uncertain significance. Last evaluated: 2022-11-05. Review status: criteria provided, single submitter. Criteria: Invitae Variant Classification Sherloc (09022015). Collection method: clinical testing. Allele origin: germline.
Comment: In summary, the available evidence is currently insufficient to determine the role of this variant in disease. Therefore, it has been classified as a Variant of Uncertain Significance. This variant disrupts the p.Ala80 amino acid residue in UROD. Other variant(s) that disrupt this residue have been determined to be pathogenic (PMID: 11069625, 11202053, 11719352). This suggests that this residue is clinically significant, and that variants that disrupt this residue are likely to be disease-causing. Advanced modeling of protein sequence and biophysical properties (such as structural, functional, and spatial information, amino acid conservation, physicochemical variation, residue mobility, and thermodynamic stability) performed at Invitae indicates that this missense variant is expected to disrupt UROD protein function. This variant has not been reported in the literature in individuals affected with UROD-related conditions. This variant is not present in population databases (gnomAD no frequency). This sequence change replaces alanine, which is neutral and non-polar, with threonine, which is neutral and polar, at codon 80 of the UROD protein (p.Ala80Thr).

Literature cited by the submitters: PubMed 11069625; PubMed 11202053; PubMed 11719352.

NM_000374.5(UROD):c.238G>A (p.Ala80Thr)

Gene: UROD (uroporphyrinogen decarboxylase; plus strand). Cytogenetic location: 1p34.1.
Variant type: single nucleotide variant.
Coding change: c.238G>A on transcript NM_000374.5 (MANE Select); coding-DNA position 238, G replaced by A.
Protein change: p.Ala80Thr; replaces alanine 80 with threonine.
Molecular consequence: missense variant. On other transcripts: non-coding transcript variant (3).
Genome position (GRCh38, 1-based): chr1:45,013,316, G>A. VCF-style: chr1-45013316-G-A. GRCh37 (hg19) VCF-style: chr1-45478988-G-A.
Other names: short protein forms A80T.
Identifiers: ClinVar variation 2789505 (VCV002789505.3), dbSNP rs376921379, ClinGen allele CA340117065.